The following is an entry in ClinVar:

NM_000344.4(SMN1):c.43C>T (p.Gln15Ter)

Gene: SMN1 (survival of motor neuron 1, telomeric). Cytogenetic location: 5q13.2.
Variant type: single nucleotide variant.
Coding change: c.43C>T on transcript NM_000344.4 (MANE Select); coding-DNA position 43, C replaced by T.
Protein change: p.Gln15Ter; replaces glutamine 15 with a stop codon.
Molecular consequence: nonsense.
Genome position (GRCh38, 1-based): chr5:70,925,146, C>T. VCF-style: chr5-70925146-C-T. GRCh37 (hg19) VCF-style: chr5-70220973-C-T.
Other names: c.43C>T, p.Gln15Ter (NM_001297715.1, NM_022874.2); short protein forms Q15*.
Identifiers: ClinVar variation 2684388 (VCV002684388.1), dbSNP rs79310136, ClinGen allele CA360089657.

ClinVar aggregate classification (germline): Pathogenic (1 of 4 stars; one submission).

Submission:

Athena Diagnostics
Classification: Pathogenic. Last evaluated: 2023-08-11. Review status: criteria provided, single submitter. Criteria: Athena Diagnostics Criteria. Collection method: clinical testing. Allele origin: unknown.
Comment: This variant is expected to result in the loss of a functional protein. This variant has been identified in multiple unrelated individuals with clinical features associated with this gene. Assessment of experimental evidence suggests this variant may result in abnormal RNA splicing (PMID: 35248528). Frequency data for this variant in the general population cannot be distinguished from that of the SMN2 gene, and is therefore uninformative in assessment of variant pathogenicity (Genome Aggregation Database (gnomAD), Cambridge, MA (URL)).

Literature cited by the submitters: PubMed 10205265; PubMed 27425821; PubMed 15580564; PubMed 35248528; PubMed 11839954.